The following is an entry in ClinVar:

NM_000051.4(ATM):c.3675A>C (p.Gln1225His)

Gene: ATM (ATM serine/threonine kinase; plus strand). Cytogenetic location: 11q22.3.
Variant type: single nucleotide variant.
Coding change: c.3675A>C on transcript NM_000051.4 (MANE Select); coding-DNA position 3675, A replaced by C.
Protein change: p.Gln1225His; replaces glutamine 1225 with histidine.
Molecular consequence: missense variant.
Genome position (GRCh38, 1-based): chr11:108,282,808, A>C. VCF-style: chr11-108282808-A-C. GRCh37 (hg19) VCF-style: chr11-108153535-A-C.
Other names: c.3675A>C, p.Gln1225His (NM_001351834.2); short protein forms Q1225H.
Identifiers: ClinVar variation 2568174 (VCV002568174.4), dbSNP rs1282542341, ClinGen allele CA382523243.

ClinVar aggregate classification (germline): Uncertain significance. Review status: criteria provided, multiple submitters, no conflicts (2 of 4 stars). 3 submissions from 3 submitters: Uncertain significance (3). Last evaluated 2025-04-07.

Conditions:
Hereditary cancer-predisposing syndrome. Also called: Neoplastic Syndromes, Hereditary; Hereditary Cancer Syndrome; Tumor predisposition; Hereditary neoplastic syndrome. Identifiers: Orphanet 140162, MedGen C0027672, MeSH D009386, MONDO:0015356.
Ataxia-telangiectasia syndrome (AT). Also called: LOUIS-BAR SYNDROME; ATAXIA-TELANGIECTASIA, COMPLEMENTATION GROUP A; Ataxia-telangiectasia, complementation group D; AT, COMPLEMENTATION GROUP C; Ataxia-telangiectasia, complementation group E; Ataxia-telangiectasia. Identifiers: Orphanet 100, MedGen C0004135, MONDO:0008840, OMIM 208900.
Familial cancer of breast. Also called: BREAST CANCER, FAMILIAL; hereditary breast carcinoma; Hereditary breast cancer. Identifiers: Orphanet 227535, MedGen C0346153, MONDO:0016419, OMIM 114480. Disease mechanism: loss of function.

Allele frequency attached by ClinVar (database versions not stated): gnomAD exomes below 0.00001.
gnomAD v4.1: 1 of 1,570,214 alleles (0.000064%); highest among the groups gnomAD compares: African/African-American, 0.0014%; no homozygotes.

Submissions (3):

Labcorp Genetics (formerly Invitae), Labcorp
Classification: Uncertain significance for Ataxia-telangiectasia syndrome. Last evaluated: 2025-04-07. Review status: criteria provided, single submitter. Criteria: Invitae Variant Classification Sherloc (09022015). Collection method: clinical testing. Allele origin: germline.
Comment: This sequence change replaces glutamine, which is neutral and polar, with histidine, which is basic and polar, at codon 1225 of the ATM protein (p.Gln1225His). This variant is present in population databases (no rsID available, gnomAD 0.007%). This variant has not been reported in the literature in individuals affected with ATM-related conditions. ClinVar contains an entry for this variant (Variation ID: 2568174). Invitae Evidence Modeling of protein sequence and biophysical properties (such as structural, functional, and spatial information, amino acid conservation, physicochemical variation, residue mobility, and thermodynamic stability) indicates that this missense variant is not expected to disrupt ATM protein function with a negative predictive value of 95%. In summary, the available evidence is currently insufficient to determine the role of this variant in disease. Therefore, it has been classified as a Variant of Uncertain Significance.

Baylor Genetics
Classification: Uncertain significance for Familial cancer of breast. Last evaluated: 2023-11-22. Review status: criteria provided, single submitter. Criteria: ACMG Guidelines, 2015. Collection method: clinical testing. Allele origin: unknown.

Ambry Genetics
Classification: Uncertain significance for Hereditary cancer-predisposing syndrome. Last evaluated: 2023-04-05. Review status: criteria provided, single submitter. Criteria: Ambry Variant Classification Scheme 2023. Collection method: clinical testing. Allele origin: germline.
Comment: The p.Q1225H variant (also known as c.3675A>C), located in coding exon 24 of the ATM gene, results from an A to C substitution at nucleotide position 3675. The glutamine at codon 1225 is replaced by histidine, an amino acid with highly similar properties. This amino acid position is not well conserved in available vertebrate species. In addition, this alteration is predicted to be tolerated by in silico analysis. Since supporting evidence is limited at this time, the clinical significance of this alteration remains unclear.